The following is an entry in ClinVar:

NM_001321527.2(GPAT2):c.355G>A (p.Gly119Arg)

Gene: GPAT2 (glycerol-3-phosphate acyltransferase 2, mitochondrial). Cytogenetic location: 2q11.2.
Variant type: single nucleotide variant.
Coding change: c.355G>A on transcript NM_001321527.2 (MANE Select); coding-DNA position 355, G replaced by A.
Protein change: p.Gly119Arg; replaces glycine 119 with arginine.
Molecular consequence: missense variant.
Genome position (GRCh38, 1-based): chr2:96,030,745, C>T on the plus strand (G>A on the coding strand, the complement: GPAT2 is on the minus strand). VCF-style: chr2-96030745-C-T. GRCh37 (hg19) VCF-style: chr2-96696493-C-T.
Other names: c.355G>A, p.Gly119Arg (NM_001321525.2, NM_001321526.2, NM_001321528.2 and 5 more transcripts); short protein forms G119R.
Identifiers: ClinVar variation 4672826 (VCV004672826.1).

ClinVar aggregate classification (germline): Uncertain significance (1 of 4 stars; one submission).

Submission:

Ambry Genetics
Classification: Uncertain significance. Last evaluated: 2025-12-08. Review status: criteria provided, single submitter. Criteria: Ambry Variant Classification Scheme 2023. Collection method: clinical testing. Allele origin: germline.
Comment: The c.355G>A (p.G119R) alteration is located in exon 5 (coding exon 4) of the GPAT2 gene. This alteration results from a G to A substitution at nucleotide position 355, causing the glycine (G) at amino acid position 119 to be replaced by an arginine (R). Based on data from gnomAD, the A allele has an overall frequency of 0.002% (1/44796) total alleles studied. The highest observed frequency was 0.014% (1/7334) of South Asian alleles. Based on insufficient or conflicting evidence, the clinical significance of this alteration remains unclear.